The following is an entry in ClinVar:

NM_000382.3(ALDH3A2):c.133A>T (p.Ile45Phe)

Gene: ALDH3A2 (aldehyde dehydrogenase 3 family member A2; plus strand). Cytogenetic location: 17p11.2.
Variant type: single nucleotide variant.
Coding change: c.133A>T on transcript NM_000382.3 (MANE Select); coding-DNA position 133, A replaced by T.
Protein change: p.Ile45Phe; replaces isoleucine 45 with phenylalanine.
Molecular consequence: missense variant. On other transcripts: 5 prime UTR variant (1).
Genome position (GRCh38, 1-based): chr17:19,649,104, A>T. VCF-style: chr17-19649104-A-T. GRCh37 (hg19) VCF-style: chr17-19552417-A-T.
Other names: c.133A>T, p.Ile45Phe (NM_001031806.2, NM_001369136.1, NM_001369137.2 and 3 more transcripts); c.-556A>T (NM_001369148.2); short protein forms I45F.
Identifiers: ClinVar variation 1408685 (VCV001408685.6), dbSNP rs1284346835, ClinGen allele CA398700930.
Genomic context (GRCh38, chr17:19,649,104, plus strand): 5'-CAGCAGCTGGAGGCCCTGCGGAGGATGGTGCAGGAGCGCGAGAAGGATATCCTGACGGCC[A>T]TCGCCGCCGACCTGTGCAAGGTACGCACGCGTGCGGCGGGGTGTGGGGAAACTGGCCCCC-3'
Protein context (NP_000373.1, residues 35-55): QEREKDILTA[Ile45Phe]AADLCKSEFN

ClinVar aggregate classification (germline): Uncertain significance (1 of 4 stars; one submission).

Submission:

Labcorp Genetics (formerly Invitae), Labcorp
Classification: Uncertain significance. Last evaluated: 2022-08-09. Review status: criteria provided, single submitter. Criteria: Invitae Variant Classification Sherloc (09022015). Collection method: clinical testing. Allele origin: germline.
Comment: This sequence change replaces isoleucine, which is neutral and non-polar, with phenylalanine, which is neutral and non-polar, at codon 45 of the ALDH3A2 protein (p.Ile45Phe). This variant is not present in population databases (gnomAD no frequency). This missense change has been observed in individual(s) with Sjögren–Larsson syndrome (PMID: 10577908). ClinVar contains an entry for this variant (Variation ID: 1408685). Algorithms developed to predict the effect of missense changes on protein structure and function are either unavailable or do not agree on the potential impact of this missense change (SIFT: "Deleterious"; PolyPhen-2: "Benign"; Align-GVGD: "Class C0"). Experimental studies have shown that this missense change affects ALDH3A2 function (PMID: 10577908). In summary, the available evidence is currently insufficient to determine the role of this variant in disease. Therefore, it has been classified as a Variant of Uncertain Significance.

Literature cited by the submitters: PubMed 10577908.